The following is an entry in ClinVar:

NM_017617.5(NOTCH1):c.4906G>T (p.Glu1636Ter)

Gene: NOTCH1 (notch receptor 1; minus strand). Cytogenetic location: 9q34.3.
Variant type: single nucleotide variant.
Coding change: c.4906G>T on transcript NM_017617.5 (MANE Select); coding-DNA position 4906, G replaced by T.
Protein change: p.Glu1636Ter; replaces glutamic acid 1636 with a stop codon.
Molecular consequence: nonsense.
Genome position (GRCh38, 1-based): chr9:136,504,785, C>A on the plus strand (G>T on the coding strand, the complement: NOTCH1 is on the minus strand). VCF-style: chr9-136504785-C-A. GRCh37 (hg19) VCF-style: chr9-139399237-C-A.
Other names: short protein forms E1636*.
Identifiers: ClinVar variation 2632167 (VCV002632167.1), dbSNP rs764006572, ClinGen allele CA375644430.

ClinVar aggregate classification (germline): Likely pathogenic (1 of 4 stars; one submission).

Conditions:
NOTCH1-related disorder. Also called: NOTCH1-related disorders; NOTCH1-related condition.

Submission:

PreventionGenetics, part of Exact Sciences
Classification: Likely pathogenic for NOTCH1-related condition. Last evaluated: 2023-06-08. Review status: criteria provided, single submitter. Criteria: ACMG Guidelines, 2015. Collection method: clinical testing. Allele origin: germline.
Comment: The NOTCH1 c.4906G>T variant is predicted to result in premature protein termination (p.Glu1636*). To our knowledge, this variant has not been reported in the literature or in a large population database, indicating this variant is rare. Nonsense variants in NOTCH1 are expected to be pathogenic. This variant is interpreted as likely pathogenic.